The following is an entry in ClinVar:

NM_021076.4(NEFH):c.1300A>G (p.Thr434Ala)

Gene: NEFH (neurofilament heavy chain; plus strand). Cytogenetic location: 22q12.2.
Variant type: single nucleotide variant.
Coding change: c.1300A>G on transcript NM_021076.4 (MANE Select); coding-DNA position 1300, A replaced by G.
Protein change: p.Thr434Ala; replaces threonine 434 with alanine.
Molecular consequence: missense variant.
Genome position (GRCh38, 1-based): chr22:29,488,940, A>G. VCF-style: chr22-29488940-A-G. GRCh37 (hg19) VCF-style: chr22-29884929-A-G.
Other names: short protein forms T434A.
Identifiers: ClinVar variation 2909038 (VCV002909038.3), dbSNP rs1297990024, ClinGen allele CA411128941.

ClinVar aggregate classification (germline): Uncertain significance (1 of 4 stars; one submission).

Allele frequency attached by ClinVar (database versions not stated): gnomAD exomes below 0.00001; gnomAD 0.00001; TOPMed 0.00001.
gnomAD v4.1: 3 of 1,614,066 alleles (0.00019%); highest among the groups gnomAD compares: African/African-American, 0.0027%; no homozygotes.

Submission:

Labcorp Genetics (formerly Invitae), Labcorp
Classification: Uncertain significance. Last evaluated: 2024-01-09. Review status: criteria provided, single submitter. Criteria: Invitae Variant Classification Sherloc (09022015). Collection method: clinical testing. Allele origin: germline.
Comment: This sequence change replaces threonine, which is neutral and polar, with alanine, which is neutral and non-polar, at codon 434 of the NEFH protein (p.Thr434Ala). This variant is not present in population databases (gnomAD no frequency). This variant has not been reported in the literature in individuals affected with NEFH-related conditions. Advanced modeling of protein sequence and biophysical properties (such as structural, functional, and spatial information, amino acid conservation, physicochemical variation, residue mobility, and thermodynamic stability) performed at Invitae indicates that this missense variant is not expected to disrupt NEFH protein function with a negative predictive value of 95%. In summary, the available evidence is currently insufficient to determine the role of this variant in disease. Therefore, it has been classified as a Variant of Uncertain Significance.